The following is an entry in ClinVar:

NM_172351.3(CD46):c.23A>C (p.Glu8Ala)

Genes: CD46 (CD46 molecule; plus strand), LOC129932405 (ATAC-STARR-seq lymphoblastoid active region 2449; plus strand). Cytogenetic location: 1q32.2.
Variant type: single nucleotide variant.
Coding change: c.23A>C on transcript NM_172351.3 (MANE Select); coding-DNA position 23, A replaced by C.
Protein change: p.Glu8Ala; replaces glutamic acid 8 with alanine.
Molecular consequence: missense variant.
Genome position (GRCh38, 1-based): chr1:207,752,235, A>C. VCF-style: chr1-207752235-A-C. GRCh37 (hg19) VCF-style: chr1-207925580-A-C.
Other names: c.23A>C, p.Glu8Ala (NM_002389.4, NM_153826.4, NM_172350.3 and 8 more transcripts); short protein forms E8A.
Identifiers: ClinVar variation 4291231 (VCV004291231.1).
Genomic context (GRCh38, chr1:207,752,235, plus strand): 5'-TTTCCTCCGGAGAAATAACAGCGTCTTCCGCGCCGCGCATGGAGCCTCCCGGCCGCCGCG[A>C]GTGTCCCTTTCCTTCCTGGCGCTTTCCTGGGTTGCTTCTGGCGGCCATGGTGTTGCTGCT-3'
Protein context (NP_758861.1, residues 1-18): MEPPGRR[Glu8Ala]CPFPSWRFPG

ClinVar aggregate classification (germline): Uncertain significance (1 of 4 stars; one submission).

Conditions:
Atypical hemolytic-uremic syndrome. Identifiers: Orphanet 2134, MedGen C2931788, MONDO:0016244.

Submission:

Genomenon, Inc
Classification: Uncertain significance for Atypical hemolytic-uremic syndrome. Last evaluated: 2025-10-02. Review status: criteria provided, single submitter. Criteria: Genomenon Sequence Variant Interpretation Standards. Collection method: curation. Allele origin: germline. Affected: no.
Comment: CD46 p.Glu8Ala (c.23A>C) is a missense variant that changes the amino acid at residue 8 from Glutamic acid to Alanine. This variant has been reported in the published literature (PMID:26357573). It is absent or not present at a significant frequency in gnomAD. In silico models agree that this variant is not damaging. In conclusion, we classify CD46 p.Glu8Ala (c.23A>C) as a variant of uncertain significance.

Literature cited by the submitters: PubMed 26357573.